The following is an entry in ClinVar:

NM_021729.6(VPS11):c.593G>T (p.Gly198Val)

Gene: VPS11 (VPS11 core subunit of CORVET and HOPS complexes; plus strand). Cytogenetic location: 11q23.3.
Variant type: single nucleotide variant.
Coding change: c.593G>T on transcript NM_021729.6 (MANE Select); coding-DNA position 593, G replaced by T.
Protein change: p.Gly198Val; replaces glycine 198 with valine.
Molecular consequence: missense variant. On other transcripts: non-coding transcript variant (8).
Genome position (GRCh38, 1-based): chr11:119,070,354, G>T. VCF-style: chr11-119070354-G-T. GRCh37 (hg19) VCF-style: chr11-118941064-G-T.
Other names: c.563G>T, p.Gly188Val (NM_001290185.2); c.605G>T, p.Gly202Val (NM_001378218.1); c.593G>T, p.Gly198Val (NM_001378219.1, NM_001378220.1); c.575G>T, p.Gly192Val (NM_001378221.1); short protein forms G188V, G202V, G192V, G198V.
Identifiers: ClinVar variation 1923081 (VCV001923081.3), dbSNP rs921909177, ClinGen allele CA229628359.

ClinVar aggregate classification (germline): Uncertain significance (1 of 4 stars; one submission).

Submission:

Labcorp Genetics (formerly Invitae), Labcorp
Classification: Uncertain significance. Last evaluated: 2024-11-05. Review status: criteria provided, single submitter. Criteria: Invitae Variant Classification Sherloc (09022015). Collection method: clinical testing. Allele origin: germline.
Comment: This sequence change replaces glycine, which is neutral and non-polar, with valine, which is neutral and non-polar, at codon 198 of the VPS11 protein (p.Gly198Val). This variant is not present in population databases (gnomAD no frequency). This variant has not been reported in the literature in individuals affected with VPS11-related conditions. ClinVar contains an entry for this variant (Variation ID: 1923081). Invitae Evidence Modeling of protein sequence and biophysical properties (such as structural, functional, and spatial information, amino acid conservation, physicochemical variation, residue mobility, and thermodynamic stability) indicates that this missense variant is not expected to disrupt VPS11 protein function with a negative predictive value of 80%. In summary, the available evidence is currently insufficient to determine the role of this variant in disease. Therefore, it has been classified as a Variant of Uncertain Significance.